The following is an entry in ClinVar:

ClinVar aggregate classification (germline): Likely pathogenic (0 of 4 stars; one submission).

Submission:

ISCA site 15
Classification: Likely pathogenic. Last evaluated: 2018-01-24. Review status: no assertion criteria provided. Collection method: clinical testing. Allele origin: unknown. Affected: yes. Observed: 1 variant allele.
Comment: As incomplete penetrance regard as likely pathogenic rather than pathogenic as no explanation as to why some individuals are affected and some not.

Copy number variation identified through the course of routine clinical cytogenomic testing in postnatal populations. Clinical assertions have been curated as described in Kaminsky et al. 2011.

Copy number variation identified through the course of routine clinical cytogenomic testing in postnatal populations. Clinical assertions have been curated as described in Kaminsky, et al. 2011 (PubMed 21844811). For additional ClinGen data, please see nstd37.

GRCh38/hg38 16p11.2(chr16:29662633-30187279)x3

Genes: ALDOA (aldolase, fructose-bisphosphate A; plus strand), ASPHD1 (aspartate beta-hydroxylase domain containing 1; plus strand), C16orf54 (chromosome 16 open reading frame 54; minus strand), CDIPT (CDP-diacylglycerol--inositol 3-phosphatidyltransferase; minus strand), CDIPTOSP (CDIP transferase opposite strand, pseudogene; plus strand) and 92 more. Cytogenetic location: 16p11.2.
Variant type: copy number gain.
Change: copy number 3 (three copies instead of two) of chr16:29,662,633-30,187,279 (524.6 kb, GRCh38 coordinates, 1-based), cytogenetic band 16p11.2.
Identifiers: ClinVar variation 160917 (VCV000160917.3).